The following is an entry in ClinVar:

ClinVar aggregate classification (germline): Benign. Review status: criteria provided, multiple submitters, no conflicts (2 of 4 stars). 3 submissions from 3 submitters: Benign (2). 1 of the submissions does not count toward it. Last evaluated 2024-10-03.

Conditions:
NOTCH2-related disorder. Also called: NOTCH2-related condition.
Hajdu-Cheney syndrome (HJCYS). Also called: SERPENTINE FIBULA-POLYCYSTIC KIDNEY SYNDROME; ACROOSTEOLYSIS WITH OSTEOPOROSIS AND CHANGES IN SKULL AND MANDIBLE; Acroosteolysis dominant type. Identifiers: Orphanet 955, MedGen C0917715, MONDO:0007057, OMIM 102500.

Allele frequency attached by ClinVar (database versions not stated): gnomAD exomes 0.00004 and 0.00006; gnomAD 0.00005; TOPMed 0.00005; ExAC 0.00009; ESP Exome Variant Server 0.00015.
gnomAD v4.1: 71 of 1,613,996 alleles (0.0044%); highest among the groups gnomAD compares: Non-Finnish European, 0.001%; no homozygotes.

Submissions (3):

Labcorp Genetics (formerly Invitae), Labcorp
Classification: Benign for Hajdu-Cheney syndrome. Last evaluated: 2024-10-03. Review status: criteria provided, single submitter. Criteria: Invitae Variant Classification Sherloc (09022015). Collection method: clinical testing. Allele origin: germline.

Breakthrough Genomics
Classification: Benign. Review status: criteria provided, single submitter. Criteria: ACMG Guidelines, 2015. Collection method: not provided. Allele origin: germline. Inheritance: Autosomal dominant inheritance. Affected: yes.

PreventionGenetics, part of Exact Sciences
Classification: Likely benign for NOTCH2-related condition. Last evaluated: 2024-06-27. Review status: no assertion criteria provided. Collection method: clinical testing. Allele origin: germline. Not counted in ClinVar's aggregate classification.
Comment: This variant is classified as likely benign based on ACMG/AMP sequence variant interpretation guidelines (Richards et al. 2015 PMID: 25741868, with internal and published modifications).

NM_024408.4(NOTCH2):c.4842A>G (p.Gln1614=)

Gene: NOTCH2 (notch receptor 2; minus strand). Cytogenetic location: 1p12.
Variant type: single nucleotide variant.
Coding change: c.4842A>G on transcript NM_024408.4 (MANE Select); coding-DNA position 4842, A replaced by G.
Protein change: p.Gln1614=; no amino-acid change (glutamine 1614 retained).
Molecular consequence: synonymous variant.
Genome position (GRCh38, 1-based): chr1:119,923,654, T>C on the plus strand (A>G on the coding strand, the complement: NOTCH2 is on the minus strand). VCF-style: chr1-119923654-T-C. GRCh37 (hg19) VCF-style: chr1-120466277-T-C.
Other names: c.4842A>G (NM_024408.3).
Identifiers: ClinVar variation 1591154 (VCV001591154.10), dbSNP rs36124579, ClinGen allele CA1039793.
Genomic context (GRCh38, chr1:119,923,654, plus strand): 5'-GCTTCATAAAATTAGCCTTGAAGTTCAGAAACCAAACACCTACCCAGCCACCTCCTGTTC[T>C]TGTTCACCAGGAAGGGATCTGCGTGTCATCCTCTGTTTCTTCATAGCAGCTGACTTCTCA-3'
Protein context (NP_077719.2, residues 1604-1624): RMTRRSLPGE[Gln1614=]EQEVAGSKVF